The following is an entry in ClinVar:

NC_000016.9:g.(?_89815047)_(89816330_?)del

Gene: FANCA (FA complementation group A; minus strand). Cytogenetic location: 16q24.3.
Variant type: Deletion.
Identifiers: ClinVar variation 2422413 (VCV002422413.4).

ClinVar aggregate classification (germline): Pathogenic (1 of 4 stars; one submission).

Conditions:
Fanconi anemia (FA). Also called: Fanconi's anemia. Identifiers: Orphanet 84, MedGen C0015625, MeSH D005199, MONDO:0019391.

Submission:

Labcorp Genetics (formerly Invitae), Labcorp
Classification: Pathogenic for Fanconi anemia. Last evaluated: 2022-09-16. Review status: criteria provided, single submitter. Criteria: Invitae Variant Classification Sherloc (09022015). Collection method: clinical testing. Allele origin: germline.
Comment: For these reasons, this variant has been classified as Pathogenic. This variant disrupts a region of the FANCA protein in which other variant(s) (p.Arg1055Trp) have been determined to be pathogenic (PMID: 9929978, 10094191, 15523645, 19367192). This suggests that this is a clinically significant region of the protein, and that variants that disrupt it are likely to be disease-causing. A similar copy number variant has been observed in individual(s) with Fanconi anemia (PMID: 31586946). This variant is a gross deletion of the genomic region encompassing exon(s) 32-33 of the FANCA gene. This variant would be expected to be in-frame, preserving the integrity of the reading frame.

Literature cited by the submitters: PubMed 9929978; PubMed 10094191; PubMed 15523645; PubMed 19367192; PubMed 31586946.